The following is an entry in ClinVar:

NM_018060.4(IARS2):c.2832G>C (p.Gln944His)

Gene: IARS2 (isoleucyl-tRNA synthetase 2, mitochondrial; plus strand). Cytogenetic location: 1q41.
Variant type: single nucleotide variant.
Coding change: c.2832G>C on transcript NM_018060.4 (MANE Select); coding-DNA position 2832, G replaced by C.
Protein change: p.Gln944His; replaces glutamine 944 with histidine.
Molecular consequence: missense variant.
Genome position (GRCh38, 1-based): chr1:220,145,589, G>C. VCF-style: chr1-220145589-G-C. GRCh37 (hg19) VCF-style: chr1-220318931-G-C.
Other names: short protein forms Q944H.
Identifiers: ClinVar variation 1521168 (VCV001521168.7), dbSNP rs1295947451, ClinGen allele CA344618665.

ClinVar aggregate classification (germline): Uncertain significance (1 of 4 stars; one submission).

Allele frequency attached by ClinVar (database versions not stated): gnomAD exomes below 0.00001; TOPMed below 0.00001; gnomAD 0.00001.
gnomAD v4.1: 7 of 1,613,720 alleles (0.00043%); highest among the groups gnomAD compares: Middle Eastern, 0.033%; no homozygotes.

Submission:

Labcorp Genetics (formerly Invitae), Labcorp
Classification: Uncertain significance. Last evaluated: 2024-10-28. Review status: criteria provided, single submitter. Criteria: Invitae Variant Classification Sherloc (09022015). Collection method: clinical testing. Allele origin: germline.
Comment: This sequence change replaces glutamine, which is neutral and polar, with histidine, which is basic and polar, at codon 944 of the IARS2 protein (p.Gln944His). This variant is present in population databases (no rsID available, gnomAD 0.003%). This variant has not been reported in the literature in individuals affected with IARS2-related conditions. ClinVar contains an entry for this variant (Variation ID: 1521168). An algorithm developed to predict the effect of missense changes on protein structure and function (PolyPhen-2) suggests that this variant is likely to be disruptive. In summary, the available evidence is currently insufficient to determine the role of this variant in disease. Therefore, it has been classified as a Variant of Uncertain Significance.